The following is an entry in ClinVar:

NM_004333.6(BRAF):c.1694+13C>T

Gene: BRAF (B-Raf proto-oncogene, serine/threonine kinase; minus strand). Cytogenetic location: 7q34.
Variant type: single nucleotide variant.
Coding change: c.1694+13C>T on transcript NM_004333.6 (MANE Select); 13 bases into the intron after coding-DNA position 1694, C replaced by T.
Molecular consequence: intron variant.
Genome position (GRCh38, 1-based): chr7:140,776,899, G>A on the plus strand (C>T on the coding strand, the complement: BRAF is on the minus strand). VCF-style: chr7-140776899-G-A. GRCh37 (hg19) VCF-style: chr7-140476699-G-A.
Other names: c.1694+13C>T (NM_001378474.1, NM_001378468.1, NM_001354609.2); c.1592+13C>T (NM_001378470.1); c.1430+13C>T (NM_001378475.1); c.1583+13C>T (NM_001378471.1); c.1814+13C>T (NM_001374258.1, NM_001374244.1); c.1703+13C>T (NM_001378467.1); c.1538+13C>T (NM_001378472.1, NM_001378473.1); c.1628+13C>T (NM_001378469.1).
Identifiers: ClinVar variation 561862 (VCV000561862.10), dbSNP rs368578780, ClinGen allele CA4516692.

ClinVar aggregate classification (germline): Likely benign. Review status: criteria provided, multiple submitters, no conflicts (2 of 4 stars). 3 submissions from 3 submitters: Likely benign (3). Last evaluated 2026-02-03.

Conditions:
Noonan syndrome 1 (NS1). Also called: FEMALE PSEUDO-TURNER SYNDROME; TURNER PHENOTYPE WITH NORMAL KARYOTYPE; PTPN11-Related Noonan Syndrome. Identifiers: Orphanet 648, MedGen C4551602, MONDO:0008104, OMIM 163950. Disease mechanism: gain of function.
LEOPARD syndrome 3 (LPRD3). Identifiers: Orphanet 500, MedGen C3150971, MONDO:0013380, OMIM 613707.
Noonan syndrome 7 (NS7). Also called: BRAF-Related Noonan Syndrome. Identifiers: Orphanet 648, MedGen C3150970, MONDO:0013379, OMIM 613706.
Cardiofaciocutaneous syndrome 1 (CFC1). Also called: BRAF-Related Cardiofaciocutaneous Syndrome. Identifiers: Orphanet 1340, MedGen CN029449, MONDO:0007265, OMIM 115150. Disease mechanism: gain of function.
Melanoma, cutaneous malignant, susceptibility to, 1 (CMM1). Also called: B-K MOLE SYNDROME; MELANOMA, MALIGNANT; DYSPLASTIC NEVUS SYNDROME, HEREDITARY; FAMILIAL ATYPICAL MOLE-MALIGNANT MELANOMA SYNDROME. Identifiers: Orphanet 618, MedGen C1835047, MONDO:0007963, OMIM 155600.
Colorectal cancer. Also called: Malignant Colorectal Neoplasm; Colorectal cancer, somatic. Identifiers: MedGen C0346629, MONDO:0005575, OMIM 114500.
Lung cancer. Also called: Lung cancer, somatic; Malignant tumor of lung. Identifiers: MedGen C0242379, MONDO:0008903, OMIM 211980.
RASopathy. Also called: rasopathies; Noonan spectrum disorder. Identifiers: Orphanet 536391, MedGen C5555857, MONDO:0021060.

Allele frequency attached by ClinVar (database versions not stated): ExAC 0.00002; gnomAD exomes 0.00003; gnomAD 0.00007; TOPMed 0.00014; ESP Exome Variant Server 0.00015.
gnomAD v4.1: 32 of 1,608,792 alleles (0.002%); highest among the groups gnomAD compares: African/African-American, 0.028%; no homozygotes.

Submissions (3):

Labcorp Genetics (formerly Invitae), Labcorp
Classification: Likely benign for RASopathy. Last evaluated: 2026-02-03. Review status: criteria provided, single submitter. Criteria: Invitae Variant Classification Sherloc (09022015). Collection method: clinical testing. Allele origin: germline.

Fulgent Genetics
Classification: Likely benign for Colorectal cancer; Cardiofaciocutaneous syndrome 1; Melanoma, cutaneous malignant, susceptibility to, 1; Noonan syndrome 1; Lung cancer; Noonan syndrome 7; LEOPARD syndrome 3. Last evaluated: 2021-12-30. Review status: criteria provided, single submitter. Criteria: ACMG Guidelines, 2015. Collection method: clinical testing. Allele origin: unknown.

GeneDx
Classification: Likely benign. Last evaluated: 2018-06-07. Review status: criteria provided, single submitter. Criteria: GeneDx Variant Classification (06012015). Collection method: clinical testing. Allele origin: germline. Affected: yes.
Comment: This variant is considered likely benign or benign based on one or more of the following criteria: it is a conservative change, it occurs at a poorly conserved position in the protein, it is predicted to be benign by multiple in silico algorithms, and/or has population frequency not consistent with disease.